The following is an entry in ClinVar:

NM_001165963.4(SCN1A):c.473+5G>C

Gene: SCN1A (sodium voltage-gated channel alpha subunit 1; minus strand). Cytogenetic location: 2q24.3.
Variant type: single nucleotide variant.
Coding change: c.473+5G>C on transcript NM_001165963.4 (MANE Select); 5 bases into the intron after coding-DNA position 473, G replaced by C.
Molecular consequence: intron variant.
Genome position (GRCh38, 1-based): chr2:166,056,406, C>G on the plus strand (G>C on the coding strand, the complement: SCN1A is on the minus strand). VCF-style: chr2-166056406-C-G. GRCh37 (hg19) VCF-style: chr2-166912916-C-G.
Other names: c.473+5G>C (NM_001353958.2, NM_001353950.2, NM_001202435.3 and 10 more transcripts); c.-1953+5G>C (NM_001353961.2).
Identifiers: ClinVar variation 420684 (VCV000420684.5), dbSNP rs1064794634, ClinGen allele CA16617317.

ClinVar aggregate classification (germline): Pathogenic/Likely pathogenic. Review status: criteria provided, multiple submitters, no conflicts (2 of 4 stars). 3 submissions from 3 submitters: Pathogenic (2); Likely pathogenic (1). Last evaluated 2025-04-24.

Conditions:
Early-infantile DEE. Also called: Early infantile epileptic encephalopathy with suppression bursts; Ohtahara syndrome; Early infantile epileptic encephalopathy. Identifiers: Orphanet 1934, MedGen C0393706, MONDO:0800491.
Generalized epilepsy with febrile seizures plus, type 2 (GEFSP2). Also called: GEFS+, TYPE 2. Identifiers: Orphanet 36387, MedGen C1858673, MONDO:0011461, OMIM 604403.

Submissions (3):

Variantyx, Inc.
Classification: Pathogenic for Generalized epilepsy with febrile seizures plus, type 2. Last evaluated: 2025-04-24. Review status: criteria provided, single submitter. Criteria: Variantyx Assertion Criteria 2022. Collection method: clinical testing. Allele origin: de novo. Inheritance: Autosomal dominant inheritance. Affected: yes.
Comment: This is an intronic variant in the SCN1A gene (OMIM: 182389). Pathogenic variants in this gene have been associated with autosomal dominant generalized epilepsy with febrile seizures plus type 2. This splicing variant is expected to result in loss of function, which is a known disease mechanism for SCN1A in this disorder (PMID: 34293681) (PVS1). This variant is absent from control populations (PM2). Based on the current evidence, this variant is classified as pathogenic for autosomal dominant generalized epilepsy with febrile seizures plus type 2.

Labcorp Genetics (formerly Invitae), Labcorp
Classification: Pathogenic for Early-infantile DEE. Last evaluated: 2024-05-31. Review status: criteria provided, single submitter. Criteria: Invitae Variant Classification Sherloc (09022015). Collection method: clinical testing. Allele origin: germline.
Comment: This sequence change falls in intron 3 of the SCN1A gene. It does not directly change the encoded amino acid sequence of the SCN1A protein. RNA analysis indicates that this variant induces altered splicing and may result in an absent or disrupted protein product. This variant is not present in population databases (gnomAD no frequency). This variant has been observed in individual(s) with autosomal dominant SCN1A-related conditions (PMID: 34293681). In at least one individual the variant was observed to be de novo. ClinVar contains an entry for this variant (Variation ID: 420684). Variants that disrupt the consensus splice site are a relatively common cause of aberrant splicing (PMID: 17576681, 9536098). Studies have shown that this variant results in activation of a cryptic splice site and introduces a premature termination codon (PMID: 34293681). The resulting mRNA is expected to undergo nonsense-mediated decay. This variant disrupts the c.473+5G nucleotide in the SCN1A gene. Other variant(s) that disrupt this nucleotide have been determined to be pathogenic (Invitae). This suggests that this nucleotide is clinically significant, and that variants that disrupt this position are likely to be disease-causing. For these reasons, this variant has been classified as Pathogenic.

GeneDx
Classification: Likely pathogenic. Last evaluated: 2016-03-25. Review status: criteria provided, single submitter. Criteria: GeneDx Variant Classification (06012015). Collection method: clinical testing. Allele origin: germline. Affected: yes.
Comment: A novel c.473+5 G>C variant that is likely pathogenic has been identified in the SCN1A gene. The c.473+5 G>C variant has not been published as a pathogenic variant, nor has it been reported as a benign variant to our knowledge. It was not observed in approximately 6,500 individuals of European and African American ancestry in the NHLBI Exome Sequencing Project, indicating it is not a common benign variant in these populations. A different substitution at the same residue (c.473+5 G>A) has been reported in Human Gene Mutation Database in association with Dravet syndrome (Stenson et al., 2014), supporting the functional importance of this region of the protein. Several in-silico splice prediction models predict that c.473+5 G>C may damage the natural splice donor site in intron 3 and lead to abnormal gene splicing. However, in the absence of RNA/functional studies, the actual effect of this sequence change is unknown. Therefore, based on the currently available information, it is unclear whether this variant is a pathogenic variant or a rare benign variant. Therefore, this variant is likely pathogenic; however, the possibility that it is benign cannot be excluded.

Literature cited by the submitters: PubMed 34293681 (cited by Variantyx, Inc. and Labcorp Genetics (formerly Invitae), Labcorp); PubMed 17576681 (cited by Labcorp Genetics (formerly Invitae), Labcorp); PubMed 9536098 (cited by Labcorp Genetics (formerly Invitae), Labcorp).